The following is an entry in ClinVar:

ClinVar aggregate classification (germline): Likely benign (1 of 4 stars; one submission).

Allele frequency attached by ClinVar (database versions not stated): ExAC 0.00042.
gnomAD v4.1: 184 of 1,602,426 alleles (0.011%); highest among the groups gnomAD compares: South Asian, 0.17%; 6 homozygotes.

Submission:

CeGaT Center for Human Genetics Tuebingen
Classification: Likely benign. Last evaluated: 2024-06-01. Review status: criteria provided, single submitter. Criteria: CeGaT Center For Human Genetics Tuebingen Variant Classification Criteria Version 2. Collection method: clinical testing. Allele origin: germline. Affected: yes. Observed: 18 variant alleles.
Comment: UBC: BP4, BP7

NM_021009.7(UBC):c.1893C>T (p.Ile631=)

Gene: UBC (ubiquitin C; minus strand). Cytogenetic location: 12q24.31.
Variant type: single nucleotide variant.
Coding change: c.1893C>T on transcript NM_021009.7 (MANE Select); coding-DNA position 1893, C replaced by T.
Protein change: p.Ile631=; no amino-acid change (isoleucine 631 retained).
Molecular consequence: synonymous variant.
Genome position (GRCh38, 1-based): chr12:124,911,879, G>A on the plus strand (C>T on the coding strand, the complement: UBC is on the minus strand). VCF-style: chr12-124911879-G-A. GRCh37 (hg19) VCF-style: chr12-125396425-G-A.
Identifiers: ClinVar variation 2672530 (VCV002672530.23), dbSNP rs1071771, ClinGen allele CA6870809.